The following is an entry in ClinVar:

ClinVar aggregate classification (germline): Pathogenic (1 of 4 stars; one submission).

Submission:

ISCA Site 6
Classification: Pathogenic. Last evaluated: 2011-08-12. Review status: criteria provided, single submitter. Criteria: Kaminsky et al. (Genet Med. 2011). Collection method: clinical testing. Allele origin: unknown. Affected: yes. Observed: 1 variant allele.
Comment: Copy number variation identified through the course of routine clinical cytogenomic testing in postnatal populations. Clinical assertions have been curated as described in Kaminsky et al. 2011.

GRCh38/hg38 1p36.33-36.32(chr1:821713-4155674)x1

Genes: LRRC47 (leucine rich repeat containing 47; minus strand), MEGF6 (multiple EGF like domains 6; minus strand), MIB2 (MIB E3 ubiquitin protein ligase 2; plus strand), MIR200A (microRNA 200a; plus strand), MIR200B (microRNA 200b; plus strand) and 322 more. Cytogenetic location: 1p36.33-36.32.
Variant type: copy number loss.
Change: copy number 1 (one copy instead of two) of chr1:821,713-4,155,674 (3.33 Mb, GRCh38 coordinates, 1-based), cytogenetic band 1p36.33-36.32.
Identifiers: ClinVar variation 58245 (VCV000058245.2).